The following is an entry in ClinVar:

NM_000965.5(RARB):c.749A>G (p.Gln250Arg)

Gene: RARB (retinoic acid receptor beta; plus strand). Cytogenetic location: 3p24.2.
Variant type: single nucleotide variant.
Coding change: c.749A>G on transcript NM_000965.5 (MANE Select); coding-DNA position 749, A replaced by G.
Protein change: p.Gln250Arg; replaces glutamine 250 with arginine.
Molecular consequence: missense variant. On other transcripts: non-coding transcript variant (2).
Genome position (GRCh38, 1-based): chr3:25,580,685, A>G. VCF-style: chr3-25580685-A-G. GRCh37 (hg19) VCF-style: chr3-25622176-A-G.
Other names: c.770A>G, p.Gln257Arg (NM_001290216.3); c.413A>G, p.Gln138Arg (NM_001290217.2, NM_001290276.2, NM_016152.4); c.602A>G, p.Gln201Arg (NM_001290266.2); c.749A>G, p.Gln250Arg (NM_001290277.1); c.620A>G, p.Gln207Arg (NM_001290300.2); short protein forms Q138R, Q201R, Q207R, Q250R, Q257R.
Identifiers: ClinVar variation 2687744 (VCV002687744.1), dbSNP rs2529761773, ClinGen allele CA351897437.

ClinVar aggregate classification (germline): Likely pathogenic (1 of 4 stars; one submission).

Allele frequency attached by ClinVar (database versions not stated): gnomAD exomes below 0.00001.
gnomAD v4.1: 2 of 1,609,472 alleles (0.00012%); highest among the groups gnomAD compares: Non-Finnish European, 0.00017%; no homozygotes.

Submission:

Institute of Human Genetics, FAU Erlangen, Friedrich-Alexander-Universität Erlangen-Nürnberg
Classification: Likely pathogenic. Last evaluated: 2024-01-22. Review status: criteria provided, single submitter. Criteria: Hauer et al. (Genet Med. 2018). Collection method: clinical testing. Allele origin: germline. Inheritance: Autosomal dominant inheritance. Affected: yes. Observed: 1 variant allele.
Comment: This variant has been identified by standard clinical testing. Selected ACMG criteria: Likely pathogenic (II):PP3;PM2;PS2